The following is an entry in ClinVar:

NM_001252024.2(TRPM1):c.2314A>C (p.Lys772Gln)

Gene: TRPM1 (transient receptor potential cation channel subfamily M member 1; minus strand). Cytogenetic location: 15q13.3.
Variant type: single nucleotide variant.
Coding change: c.2314A>C on transcript NM_001252024.2 (MANE Select); coding-DNA position 2314, A replaced by C.
Protein change: p.Lys772Gln; replaces lysine 772 with glutamine.
Molecular consequence: missense variant.
Genome position (GRCh38, 1-based): chr15:31,040,120, T>G on the plus strand (A>C on the coding strand, the complement: TRPM1 is on the minus strand). VCF-style: chr15-31040120-T-G. GRCh37 (hg19) VCF-style: chr15-31332323-T-G.
Other names: c.2365A>C, p.Lys789Gln (NM_001252020.2); c.2248A>C, p.Lys750Gln (NM_002420.6); short protein forms K772Q, K750Q, K789Q.
Identifiers: ClinVar variation 2092207 (VCV002092207.4), dbSNP rs2504108572, ClinGen allele CA391509321.

ClinVar aggregate classification (germline): Uncertain significance (1 of 4 stars; one submission).

Submission:

Labcorp Genetics (formerly Invitae), Labcorp
Classification: Uncertain significance. Last evaluated: 2024-10-08. Review status: criteria provided, single submitter. Criteria: Invitae Variant Classification Sherloc (09022015). Collection method: clinical testing. Allele origin: germline.
Comment: This sequence change replaces lysine, which is basic and polar, with glutamine, which is neutral and polar, at codon 750 of the TRPM1 protein (p.Lys750Gln). This variant is not present in population databases (gnomAD no frequency). This variant has not been reported in the literature in individuals affected with TRPM1-related conditions. ClinVar contains an entry for this variant (Variation ID: 2092207). Invitae Evidence Modeling of protein sequence and biophysical properties (such as structural, functional, and spatial information, amino acid conservation, physicochemical variation, residue mobility, and thermodynamic stability) indicates that this missense variant is not expected to disrupt TRPM1 protein function with a negative predictive value of 95%. In summary, the available evidence is currently insufficient to determine the role of this variant in disease. Therefore, it has been classified as a Variant of Uncertain Significance.